The following is an entry in ClinVar:

NM_018965.4(TREM2):c.*97T>C

Gene: TREM2 (triggering receptor expressed on myeloid cells 2; minus strand). Cytogenetic location: 6p21.1.
Variant type: single nucleotide variant.
Coding change: c.*97T>C on transcript NM_018965.4 (MANE Select); 97 bases downstream of the stop codon, T replaced by C.
Molecular consequence: 3 prime UTR variant. On other transcripts: missense variant (1).
Genome position (GRCh38, 1-based): chr6:41,158,667, A>G on the plus strand (T>C on the coding strand, the complement: TREM2 is on the minus strand). VCF-style: chr6-41158667-A-G. GRCh37 (hg19) VCF-style: chr6-41126405-A-G.
Other names: c.596T>C, p.Leu199Pro (NM_001271821.2); short protein forms L199P.
Identifiers: ClinVar variation 3657454 (VCV003657454.2).

ClinVar aggregate classification (germline): Uncertain significance (1 of 4 stars; one submission).

gnomAD v4.1: 9 of 1,611,940 alleles (0.00056%); highest among the groups gnomAD compares: South Asian, 0.0099%; no homozygotes.

Submission:

Labcorp Genetics (formerly Invitae), Labcorp
Classification: Uncertain significance. Last evaluated: 2025-03-10. Review status: criteria provided, single submitter. Criteria: Invitae Variant Classification Sherloc (09022015). Collection method: clinical testing. Allele origin: germline.
Comment: The TREM2 gene has multiple clinically relevant transcripts. This variant occurs in alternate transcript NM_001271821.1, and corresponds to NM_018965.3:c.*97T>C in the primary transcript. This sequence change replaces leucine, which is neutral and non-polar, with proline, which is neutral and non-polar, at codon 199 of the TREM2 protein (Leu199Pro). This variant is present in population databases (no rsID available, gnomAD 0.01%). This variant has not been reported in the literature in individuals affected with TREM2-related conditions. Experimental studies and prediction algorithms are not available or were not evaluated, and the functional significance of this variant is currently unknown. In summary, the available evidence is currently insufficient to determine the role of this variant in disease. Therefore, it has been classified as a Variant of Uncertain Significance.